The following is an entry in ClinVar:

NM_004100.5(EYA4):c.448C>G (p.His150Asp)

Gene: EYA4 (EYA transcriptional coactivator and phosphatase 4; plus strand). Cytogenetic location: 6q23.2.
Variant type: single nucleotide variant.
Coding change: c.448C>G on transcript NM_004100.5 (MANE Select); coding-DNA position 448, C replaced by G.
Protein change: p.His150Asp; replaces histidine 150 with aspartic acid.
Molecular consequence: missense variant.
Genome position (GRCh38, 1-based): chr6:133,462,345, C>G. VCF-style: chr6-133462345-C-G. GRCh37 (hg19) VCF-style: chr6-133783483-C-G.
Other names: c.286C>G, p.His96Asp (NM_001301012.2, NM_001370459.1); c.448C>G, p.His150Asp (NM_001301013.2, NM_172105.4); c.379C>G, p.His127Asp (NM_001370458.1, NM_172103.4); short protein forms H127D, H150D, H96D.
Identifiers: ClinVar variation 4870718 (VCV004870718.1).

ClinVar aggregate classification (germline): Uncertain significance (1 of 4 stars; one submission).

Conditions:
Cardiovascular phenotype. Identifiers: MedGen CN230736.

Submission:

Ambry Genetics
Classification: Uncertain significance for Cardiovascular phenotype. Last evaluated: 2026-04-09. Review status: criteria provided, single submitter. Criteria: Ambry Variant Classification Scheme 2023. Collection method: clinical testing. Allele origin: germline.
Comment: The p.H150D variant (also known as c.448C>G), located in coding exon 7 of the EYA4 gene, results from a C to G substitution at nucleotide position 448. The histidine at codon 150 is replaced by aspartic acid, an amino acid with similar properties. This amino acid position is conserved. In addition, this alteration is predicted to be deleterious by in silico analysis. Based on the available evidence, the clinical significance of this variant remains unclear.